The following is an entry in ClinVar:

NM_001206744.2(TPO):c.1496del (p.Pro499fs)

Gene: TPO (thyroid peroxidase; plus strand). Cytogenetic location: 2p25.3.
Variant type: Deletion.
Coding change: c.1496del on transcript NM_001206744.2 (MANE Select); coding-DNA position 1496, one base deleted (C; older notation c.1496delC).
Protein change: p.Pro499fs; shifts the reading frame from proline 499.
Molecular consequence: frameshift variant.
Genome position (GRCh38, 1-based): chr2:1,484,753, C deleted; the last of 3 consecutive C bases (chr2:1,484,751-1,484,753); deleting any one gives the same sequence. VCF-style (leftmost placement, unchanged base first): chr2-1484750-AC-A. GRCh37 (hg19) VCF-style: chr2-1488522-AC-A.
Other names: c.1496delC (NM_000547.5); c.1496del, p.Pro499fs (NM_000547.6, NM_001206745.2, NM_175719.4 and 1 more transcripts); c.977del, p.Pro326fs (NM_175722.3); short protein forms P326fs, P499fs.
Identifiers: ClinVar variation 4052 (VCV000004052.2), dbSNP rs1573380429, ClinGen allele CA913185064.

ClinVar aggregate classification (germline): Pathogenic. Review status: criteria provided, single submitter (1 of 4 stars). 2 submissions from 2 submitters: Pathogenic (1). 1 of the submissions does not count toward it. Last evaluated 2025-07-30.

Conditions:
TPO-related disorder. Also called: TPO-related condition.
Deficiency of iodide peroxidase (TDH2A). Also called: Thyroid dyshormonogenesis 2A; THYROID HORMONOGENESIS, GENETIC DEFECT IN, 2A; THYROID PEROXIDASE DEFICIENCY; HYPOTHYROIDISM, CONGENITAL, DUE TO DYSHORMONOGENESIS, 2A; IODIDE PEROXIDASE DEFICIENCY. Identifiers: Orphanet 95716, MedGen C1291299, MONDO:0010133, OMIM 274500.

Submissions (2):

PreventionGenetics, part of Exact Sciences
Classification: Pathogenic for TPO-related condition. Last evaluated: 2025-07-30. Review status: criteria provided, single submitter. Criteria: ACMG Guidelines, 2015. Collection method: clinical testing. Allele origin: germline.
Comment: The TPO c.1496delC variant is predicted to result in a frameshift and premature protein termination (p.Pro499Argfs*3). This variant was reported in compound heterozygous state in two siblings with thyroid dyshormonogenesis (Deladoey et al. 2008. PubMed ID: 18029453). This variant has not been reported in a large population database (gnomAD), indicating this variant is rare. Frameshift variants in TPO are expected to be pathogenic. This variant is interpreted as pathogenic.

OMIM
Classification: Pathogenic for THYROID DYSHORMONOGENESIS 2A. Last evaluated: 2008-02-01. Review status: no assertion criteria provided. Collection method: literature only. Allele origin: germline. Not counted in ClinVar's aggregate classification.

Literature cited by the submitters: PubMed 18029453 (cited by OMIM).